The following is an entry in ClinVar:

ClinVar aggregate classification (germline): Benign/Likely benign. Review status: criteria provided, multiple submitters, no conflicts (2 of 4 stars). 7 submissions from 7 submitters: Benign (4); Likely benign (2). 1 of the submissions does not count toward it. Last evaluated 2026-06-01.

Conditions:
Acrocallosal syndrome (ACLS). Also called: Schinzel syndrome 1; Absence of corpus callosum with unusual facial appearance, mental deficiency, duplication of the halluces and polydactyly; HALLUX DUPLICATION, POSTAXIAL POLYDACTYLY, AND ABSENCE OF CORPUS CALLOSUM. Identifiers: Orphanet 36, MedGen C0796147, MONDO:0008708, OMIM 200990.

Allele frequency attached by ClinVar (database versions not stated): gnomAD exomes 0.00129; gnomAD 0.00399 and 0.00423; TOPMed 0.00500; 1000 Genomes Project 0.00519; ExAC 0.00217; 1000 Genomes Project 30x 0.00547.

Submissions (7):

CeGaT Center for Human Genetics Tuebingen
Classification: Likely benign. Last evaluated: 2026-06-01. Review status: criteria provided, single submitter. Criteria: CeGaT Center For Human Genetics Tuebingen Variant Classification Criteria Version 2. Collection method: clinical testing. Allele origin: germline. Affected: yes. Observed: 6 variant alleles.
Comment: KIF7: BS1

Labcorp Genetics (formerly Invitae), Labcorp
Classification: Benign for Acrocallosal syndrome. Last evaluated: 2026-01-23. Review status: criteria provided, single submitter. Criteria: Invitae Variant Classification Sherloc (09022015). Collection method: clinical testing. Allele origin: germline.

Blueprint Genetics
Classification: Likely benign. Last evaluated: 2024-10-31. Review status: criteria provided, single submitter. Criteria: ACMG Guidelines, 2015. Collection method: clinical testing. Allele origin: germline.

GeneDx
Classification: Benign. Last evaluated: 2021-04-13. Review status: criteria provided, single submitter. Criteria: GeneDx Variant Classification Process June 2021. Collection method: clinical testing. Allele origin: germline. Affected: yes.

Eurofins Ntd Llc (ga)
Classification: Benign. Last evaluated: 2014-04-25. Review status: criteria provided, single submitter. Criteria: EGL Classification Definitions 2015. Collection method: clinical testing. Allele origin: germline. Observed: 1 variant allele, 1 heterozygote.

Breakthrough Genomics
Classification: Benign. Review status: criteria provided, single submitter. Criteria: ACMG Guidelines, 2015. Collection method: not provided. Allele origin: germline. Inheritance: Autosomal recessive inheritance. Affected: yes.

Genetic Services Laboratory, University of Chicago
Classification: Likely benign for AllHighlyPenetrant. Review status: no assertion criteria provided. Collection method: clinical testing. Allele origin: germline. Inheritance: Autosomal recessive inheritance. Not counted in ClinVar's aggregate classification.
Comment: Likely benign based on allele frequency in 1000 Genomes Project or ESP global frequency and its presence in a patient with a rare or unrelated disease phenotype. NOT Sanger confirmed.

NM_198525.3(KIF7):c.49C>T (p.Arg17Trp)

Gene: KIF7 (kinesin family member 7; minus strand). Cytogenetic location: 15q26.1.
Variant type: single nucleotide variant.
Coding change: c.49C>T on transcript NM_198525.3 (MANE Select); coding-DNA position 49, C replaced by T.
Protein change: p.Arg17Trp; replaces arginine 17 with tryptophan.
Molecular consequence: missense variant.
Genome position (GRCh38, 1-based): chr15:89,652,882, G>A on the plus strand (C>T on the coding strand, the complement: KIF7 is on the minus strand). VCF-style: chr15-89652882-G-A. GRCh37 (hg19) VCF-style: chr15-90196113-G-A.
Other names: short protein forms R17W.
Identifiers: ClinVar variation 129418 (VCV000129418.45), dbSNP rs141865394, ClinGen allele CA020412.
Genomic context (GRCh38, chr15:89,652,882, plus strand): 5'-AGCTCTGATGCCCGTGCAGCAGCTCCTTGGGCAGCAGTGGTCGAACTCGCAGGGCAACCC[G>A]CACTGGGGCCTCCTCAGCCCCTGGCAGCCTCTGAGCCTCCAGCCCCATGCCGAGGGAGGA-3'
Protein context (NP_940927.2, residues 7-27): RLPGAEEAPV[Arg17Trp]VALRVRPLLP